The following is an entry in ClinVar:

ClinVar aggregate classification (germline): Conflicting classifications of pathogenicity. Review status: criteria provided, conflicting classifications (1 of 4 stars). 7 submissions from 7 submitters: Uncertain significance (1); Benign (3); Likely benign (3). Last evaluated 2026-09-01.

Allele frequency attached by ClinVar (database versions not stated): 1000 Genomes Project 0.00319; 1000 Genomes Project 30x 0.00344; gnomAD 0.00518 and 0.00527; ESP Exome Variant Server 0.00569; TOPMed 0.00570; ExAC 0.00623; gnomAD exomes 0.00623.

Submissions (7):

CeGaT Center for Human Genetics Tuebingen
Classification: Benign. Last evaluated: 2026-09-01. Review status: criteria provided, single submitter. Criteria: CeGaT Center For Human Genetics Tuebingen Variant Classification Criteria Version 2. Collection method: clinical testing. Allele origin: germline. Affected: yes. Observed: 28 variant alleles.
Comment: DCHS1: BP4, BS1, BS2

Labcorp Genetics (formerly Invitae), Labcorp
Classification: Benign. Last evaluated: 2026-02-02. Review status: criteria provided, single submitter. Criteria: Invitae Variant Classification Sherloc (09022015). Collection method: clinical testing. Allele origin: germline.

Blueprint Genetics
Classification: Likely benign. Last evaluated: 2024-11-26. Review status: criteria provided, single submitter. Criteria: ACMG Guidelines, 2015. Collection method: clinical testing. Allele origin: germline.

Center for Personalized Medicine, Children's Hospital Los Angeles
Classification: Uncertain significance. Last evaluated: 2018-11-19. Review status: criteria provided, single submitter. Criteria: ACMG Guidelines, 2015. Collection method: clinical testing. Allele origin: germline. Affected: yes.

GeneDx
Classification: Benign. Last evaluated: 2018-08-07. Review status: criteria provided, single submitter. Criteria: GeneDx Variant Classification Process June 2021. Collection method: clinical testing. Allele origin: germline. Affected: yes.
Comment: This variant is associated with the following publications: (PMID: 30755392)

Center for Pediatric Genomic Medicine, Children's Mercy Hospital and Clinics
Classification: Likely benign. Last evaluated: 2016-08-30. Review status: criteria provided, single submitter. Criteria: ACMG Guidelines, 2015. Collection method: clinical testing. Allele origin: germline.
ClinVar note: Converted during submission from Likely Benign to Likely benign.

Breakthrough Genomics
Classification: Likely benign. Review status: criteria provided, single submitter. Criteria: ACMG Guidelines, 2015. Collection method: not provided. Allele origin: germline. Inheritance: Autosomal recessive inheritance. Affected: yes.

NM_003737.4(DCHS1):c.379G>A (p.Val127Ile)

Gene: DCHS1 (dachsous cadherin-related 1; minus strand). Cytogenetic location: 11p15.4.
Variant type: single nucleotide variant.
Coding change: c.379G>A on transcript NM_003737.4 (MANE Select); coding-DNA position 379, G replaced by A.
Protein change: p.Val127Ile; replaces valine 127 with isoleucine.
Molecular consequence: missense variant.
Genome position (GRCh38, 1-based): chr11:6,641,235, C>T on the plus strand (G>A on the coding strand, the complement: DCHS1 is on the minus strand). VCF-style: chr11-6641235-C-T. GRCh37 (hg19) VCF-style: chr11-6662466-C-T.
Other names: short protein forms V127I.
Identifiers: ClinVar variation 376786 (VCV000376786.43), dbSNP rs112402535, ClinGen allele CA5861163.